The following is an entry in ClinVar:

NM_031935.3(HMCN1):c.7859G>A (p.Arg2620Gln)

Gene: HMCN1 (hemicentin 1; plus strand). Cytogenetic location: 1q31.1.
Variant type: single nucleotide variant.
Coding change: c.7859G>A on transcript NM_031935.3 (MANE Select); coding-DNA position 7859, G replaced by A.
Protein change: p.Arg2620Gln; replaces arginine 2620 with glutamine.
Molecular consequence: missense variant.
Genome position (GRCh38, 1-based): chr1:186,067,987, G>A. VCF-style: chr1-186067987-G-A. GRCh37 (hg19) VCF-style: chr1-186037119-G-A.
Other names: short protein forms R2620Q.
Identifiers: ClinVar variation 1516370 (VCV001516370.5), dbSNP rs150883776, ClinGen allele CA1292950.
Genomic context (GRCh38, chr1:186,067,987, plus strand): 5'-ATTCATATCCTCCAGCTACCATCACCTGGTTTAAGGATGGCACTCCTTTAGAATCTAACC[G>A]AAATATTCGTATTCTTCCAGGTAATTCATTTGCTTCAGATGTCCAAGATGCATCTGCGTC-3'
Protein context (NP_114141.2, residues 2610-2630): FKDGTPLESN[Arg2620Gln]NIRILPGGRT

ClinVar aggregate classification (germline): Uncertain significance (1 of 4 stars; one submission).

Allele frequency attached by ClinVar (database versions not stated): ExAC 0.00006; ESP Exome Variant Server 0.00008; gnomAD exomes 0.00010; gnomAD 0.00011 and 0.00014; TOPMed 0.00013.
gnomAD v4.1: 178 of 1,613,482 alleles (0.011%); highest among the groups gnomAD compares: African/African-American, 0.036%; 1 homozygote.

Submission:

Labcorp Genetics (formerly Invitae), Labcorp
Classification: Uncertain significance. Last evaluated: 2024-11-05. Review status: criteria provided, single submitter. Criteria: Invitae Variant Classification Sherloc (09022015). Collection method: clinical testing. Allele origin: germline.
Comment: This sequence change replaces arginine, which is basic and polar, with glutamine, which is neutral and polar, at codon 2620 of the HMCN1 protein (p.Arg2620Gln). This variant is present in population databases (rs150883776, gnomAD 0.03%). This variant has not been reported in the literature in individuals affected with HMCN1-related conditions. ClinVar contains an entry for this variant (Variation ID: 1516370). An algorithm developed to predict the effect of missense changes on protein structure and function outputs the following: PolyPhen-2: "Benign". The glutamine amino acid residue is found in multiple mammalian species, which suggests that this missense change does not adversely affect protein function. In summary, the available evidence is currently insufficient to determine the role of this variant in disease. Therefore, it has been classified as a Variant of Uncertain Significance.